The following is an entry in ClinVar:

NM_004239.4(TRIP11):c.863A>G (p.Tyr288Cys)

Gene: TRIP11 (thyroid hormone receptor interactor 11; minus strand). Cytogenetic location: 14q32.12.
Variant type: single nucleotide variant.
Coding change: c.863A>G on transcript NM_004239.4 (MANE Select); coding-DNA position 863, A replaced by G.
Protein change: p.Tyr288Cys; replaces tyrosine 288 with cysteine.
Molecular consequence: missense variant.
Genome position (GRCh38, 1-based): chr14:92,014,538, T>C on the plus strand (A>G on the coding strand, the complement: TRIP11 is on the minus strand). VCF-style: chr14-92014538-T-C. GRCh37 (hg19) VCF-style: chr14-92480882-T-C.
Other names: c.860A>G, p.Tyr287Cys (NM_001321851.1); short protein forms Y287C, Y288C.
Identifiers: ClinVar variation 2967934 (VCV002967934.3), dbSNP rs769561687, ClinGen allele CA7314063.

ClinVar aggregate classification (germline): Uncertain significance (1 of 4 stars; one submission).

Conditions:
Achondrogenesis, type IA (ACG1A). Identifiers: Orphanet 932, Orphanet 93299, MedGen C0265273, MONDO:0008701, OMIM 200600.

Allele frequency attached by ClinVar (database versions not stated): gnomAD exomes 0.00001; TOPMed 0.00002; ExAC 0.00003.
gnomAD v4.1: 5 of 1,599,694 alleles (0.00031%); highest among the groups gnomAD compares: Non-Finnish European, 0.00034%; no homozygotes.

Submission:

Labcorp Genetics (formerly Invitae), Labcorp
Classification: Uncertain significance for Achondrogenesis, type IA. Last evaluated: 2024-12-02. Review status: criteria provided, single submitter. Criteria: Invitae Variant Classification Sherloc (09022015). Collection method: clinical testing. Allele origin: germline.
Comment: This sequence change replaces tyrosine, which is neutral and polar, with cysteine, which is neutral and slightly polar, at codon 288 of the TRIP11 protein (p.Tyr288Cys). This variant is present in population databases (rs769561687, gnomAD 0.004%). This variant has not been reported in the literature in individuals affected with TRIP11-related conditions. ClinVar contains an entry for this variant (Variation ID: 2967934). Invitae Evidence Modeling of protein sequence and biophysical properties (such as structural, functional, and spatial information, amino acid conservation, physicochemical variation, residue mobility, and thermodynamic stability) indicates that this missense variant is not expected to disrupt TRIP11 protein function with a negative predictive value of 80%. In summary, the available evidence is currently insufficient to determine the role of this variant in disease. Therefore, it has been classified as a Variant of Uncertain Significance.